The following is an entry in ClinVar:

NM_001039141.3(TRIOBP):c.3217G>T (p.Ala1073Ser)

Gene: TRIOBP (TRIO and F-actin binding protein; plus strand). Cytogenetic location: 22q13.1.
Variant type: single nucleotide variant.
Coding change: c.3217G>T on transcript NM_001039141.3 (MANE Select); coding-DNA position 3217, G replaced by T.
Protein change: p.Ala1073Ser; replaces alanine 1073 with serine.
Molecular consequence: missense variant.
Genome position (GRCh38, 1-based): chr22:37,725,773, G>T. VCF-style: chr22-37725773-G-T. GRCh37 (hg19) VCF-style: chr22-38121780-G-T.
Other names: short protein forms A1073S.
Identifiers: ClinVar variation 1704695 (VCV001704695.2), dbSNP rs781731446, ClinGen allele CA10224056.

ClinVar aggregate classification (germline): Uncertain significance (1 of 4 stars; one submission).

Allele frequency attached by ClinVar (database versions not stated): gnomAD 0.00001; gnomAD exomes 0.00001; TOPMed 0.00002; ExAC 0.00004.
gnomAD v4.1: 20 of 1,608,340 alleles (0.0012%); highest among the groups gnomAD compares: Admixed American, 0.005%; no homozygotes.

Submission:

GeneDx
Classification: Uncertain significance. Last evaluated: 2023-03-03. Review status: criteria provided, single submitter. Criteria: GeneDx Variant Classification Process June 2021. Collection method: clinical testing. Allele origin: germline. Affected: yes.
Comment: In silico analysis supports that this missense variant does not alter protein structure/function; Has not been previously published as pathogenic or benign to our knowledge